The following is an entry in ClinVar:

ClinVar aggregate classification (germline): Uncertain significance. Review status: criteria provided, multiple submitters, no conflicts (2 of 4 stars). 4 submissions from 4 submitters: Uncertain significance (4). Last evaluated 2025-07-15.

Conditions:
WDR19-related disorder. Also called: WDR19-related condition; WDR19-related disorders. Identifiers: MedGen CN380161.
Spermatogenic failure 72 (SPGF72). Identifiers: MedGen C5676980, MONDO:0030809, OMIM 619867.
Senior-Loken syndrome 8 (SLSN8). Identifiers: Orphanet 3156, MedGen C4225376, MONDO:0014579, OMIM 616307.
Nephronophthisis 13 (NPHP13). Identifiers: Orphanet 655, MedGen C3280612, MONDO:0013718, OMIM 614377.
Cranioectodermal dysplasia 4 (CED4). Identifiers: Orphanet 1515, MedGen C3280616, MONDO:0013719, OMIM 614378.
Asphyxiating thoracic dystrophy 5 (SRTD5). Also called: SHORT-RIB THORACIC DYSPLASIA 5 WITH OR WITHOUT POLYDACTYLY; SHORT-RIB THORACIC DYSPLASIA 5 WITHOUT POLYDACTYLY. Identifiers: Orphanet 474, MedGen C3280598, MONDO:0013717, OMIM 614376.

Allele frequency attached by ClinVar (database versions not stated): gnomAD 0.00001; gnomAD exomes 0.00003 and 0.00005; TOPMed 0.00003; ExAC 0.00006.
gnomAD v4.1: 73 of 1,603,040 alleles (0.0046%); highest among the groups gnomAD compares: Middle Eastern, 0.016%; 1 homozygote.

Submissions (4):

PreventionGenetics, part of Exact Sciences
Classification: Uncertain significance for WDR19-related condition. Last evaluated: 2025-07-15. Review status: criteria provided, single submitter. Criteria: ACMG Guidelines, 2015. Collection method: clinical testing. Allele origin: germline.
Comment: The WDR19 c.664C>G variant is predicted to result in the amino acid substitution p.Pro222Ala. To our knowledge, this variant has not been reported in the literature. This variant is reported in 0.0059% of alleles in individuals of European (Non-Finnish) descent in gnomAD. At this time, the clinical significance of this variant is uncertain due to the absence of conclusive functional and genetic evidence.

Blueprint Genetics
Classification: Uncertain significance. Last evaluated: 2024-09-06. Review status: criteria provided, single submitter. Criteria: ACMG Guidelines, 2015. Collection method: clinical testing. Allele origin: germline.

Labcorp Genetics (formerly Invitae), Labcorp
Classification: Uncertain significance for Senior-Loken syndrome 8; Asphyxiating thoracic dystrophy 5. Last evaluated: 2022-07-19. Review status: criteria provided, single submitter. Criteria: Invitae Variant Classification Sherloc (09022015). Collection method: clinical testing. Allele origin: germline.
Comment: This sequence change replaces proline, which is neutral and non-polar, with alanine, which is neutral and non-polar, at codon 222 of the WDR19 protein (p.Pro222Ala). This variant is present in population databases (rs757241775, gnomAD 0.007%). This variant has not been reported in the literature in individuals affected with WDR19-related conditions. ClinVar contains an entry for this variant (Variation ID: 1020422). Algorithms developed to predict the effect of missense changes on protein structure and function are either unavailable or do not agree on the potential impact of this missense change (SIFT: "Tolerated"; PolyPhen-2: "Possibly Damaging"; Align-GVGD: "Class C0"). In summary, the available evidence is currently insufficient to determine the role of this variant in disease. Therefore, it has been classified as a Variant of Uncertain Significance.

Fulgent Genetics
Classification: Uncertain significance for Asphyxiating thoracic dystrophy 5; Nephronophthisis 13; Cranioectodermal dysplasia 4; Senior-Loken syndrome 8; Spermatogenic failure 72. Last evaluated: 2022-03-23. Review status: criteria provided, single submitter. Criteria: ACMG Guidelines, 2015. Collection method: clinical testing. Allele origin: unknown.

NM_025132.4(WDR19):c.664C>G (p.Pro222Ala)

Gene: WDR19 (WD repeat domain 19; plus strand). Cytogenetic location: 4p14.
Variant type: single nucleotide variant.
Coding change: c.664C>G on transcript NM_025132.4 (MANE Select); coding-DNA position 664, C replaced by G.
Protein change: p.Pro222Ala; replaces proline 222 with alanine.
Molecular consequence: missense variant.
Genome position (GRCh38, 1-based): chr4:39,205,214, C>G. VCF-style: chr4-39205214-C-G. GRCh37 (hg19) VCF-style: chr4-39206834-C-G.
Other names: c.664C>G (NM_025132.3); c.184C>G, p.Pro62Ala (NM_001317924.2); short protein forms P222A, P62A.
Identifiers: ClinVar variation 1020422 (VCV001020422.9), dbSNP rs757241775, ClinGen allele CA2891674.
Genomic context (GRCh38, chr4:39,205,214, plus strand): 5'-ATAAGTGTGGTGCTTGGCAAGAAAACTTTGTTTTTTTTAAATCTGAATGAACCAGATAAC[C>G]CAGCTGATCTTGAATTTCAGCAGGACTTTGGCAACATTGTCTGCTATAATTGGTATGTCT-3'
Protein context (NP_079408.3, residues 212-232): FFLNLNEPDN[Pro222Ala]ADLEFQQDFG